The following is an entry in ClinVar:

ClinVar aggregate classification (germline): Uncertain significance. Review status: criteria provided, multiple submitters, no conflicts (2 of 4 stars). 2 submissions from 2 submitters: Uncertain significance (2). Last evaluated 2023-10-15.

Conditions:
Cardiovascular phenotype. Identifiers: MedGen CN230736.
Ehlers-Danlos syndrome (EDS). Identifiers: Orphanet 98249, MedGen C0013720, MONDO:0020066.

Allele frequency attached by ClinVar (database versions not stated): ExAC 0.00005.
gnomAD v4.1: 25 of 1,597,474 alleles (0.0016%); highest among the groups gnomAD compares: Admixed American, 0.0088%; no homozygotes.

Submissions (2):

Ambry Genetics
Classification: Uncertain significance for Cardiovascular phenotype. Last evaluated: 2023-10-15. Review status: criteria provided, single submitter. Criteria: Ambry Variant Classification Scheme 2023. Collection method: clinical testing. Allele origin: germline.
Comment: The p.R236W variant (also known as c.706C>T), located in coding exon 2 of the TNXB gene, results from a C to T substitution at nucleotide position 706. The arginine at codon 236 is replaced by tryptophan, an amino acid with dissimilar properties. This amino acid position is conserved. In addition, this alteration is predicted to be tolerated by in silico analysis. Since supporting evidence is limited at this time, the clinical significance of this alteration remains unclear.

Genome Diagnostics Laboratory, The Hospital for Sick Children
Classification: Uncertain significance for Ehlers-Danlos syndrome. Last evaluated: 2020-12-02. Review status: criteria provided, single submitter. Criteria: ACMG Guidelines, 2015. Collection method: clinical testing. Allele origin: germline.

NM_001365276.2(TNXB):c.706C>T (p.Arg236Trp)

Gene: TNXB (tenascin XB; minus strand). Cytogenetic location: 6p21.33.
Variant type: single nucleotide variant.
Coding change: c.706C>T on transcript NM_001365276.2 (MANE Select); coding-DNA position 706, C replaced by T.
Protein change: p.Arg236Trp; replaces arginine 236 with tryptophan.
Molecular consequence: missense variant.
Genome position (GRCh38, 1-based): chr6:32,097,147, G>A on the plus strand (C>T on the coding strand, the complement: TNXB is on the minus strand). VCF-style: chr6-32097147-G-A. GRCh37 (hg19) VCF-style: chr6-32064924-G-A.
Other names: c.706C>T, p.Arg236Trp (NM_019105.8); short protein forms R236W.
Identifiers: ClinVar variation 1702344 (VCV001702344.6), dbSNP rs763079484, ClinGen allele CA3735803.